The following is an entry in ClinVar:

NM_000814.5(GABRB3):c.-804G>C

Gene: GABRB3 (gamma-aminobutyric acid type A receptor subunit beta3; minus strand). Cytogenetic location: 15q12.
Variant type: single nucleotide variant.
Coding change: c.-804G>C on transcript NM_000814.5; 804 bases upstream of the start codon, G replaced by C.
Genome position (GRCh38, 1-based): chr15:26,773,766, C>G on the plus strand (G>C on the coding strand, the complement: GABRB3 is on the minus strand). VCF-style: chr15-26773766-C-G. GRCh37 (hg19) VCF-style: chr15-27018913-C-G.
Identifiers: ClinVar variation 384635 (VCV000384635.3), dbSNP rs1057522017, ClinGen allele CA16606907.

ClinVar aggregate classification (germline): Likely benign (1 of 4 stars; one submission).

Submission:

GeneDx
Classification: Likely benign. Last evaluated: 2016-03-17. Review status: criteria provided, single submitter. Criteria: GeneDx Variant Classification (06012015). Collection method: clinical testing. Allele origin: germline. Affected: yes.
Comment: This variant is considered likely benign or benign based on one or more of the following criteria: it is a conservative change, it occurs at a poorly conserved position in the protein, it is predicted to be benign by multiple in silico algorithms, and/or has population frequency not consistent with disease.